The following is an entry in ClinVar:

ClinVar aggregate classification (germline): Likely benign (1 of 4 stars; one submission).

gnomAD v4.1: 5 of 1,286,398 alleles (0.00039%); highest among the groups gnomAD compares: South Asian, 0.0066%; no homozygotes.

Submission:

CeGaT Center for Human Genetics Tuebingen
Classification: Likely benign. Last evaluated: 2025-07-01. Review status: criteria provided, single submitter. Criteria: CeGaT Center For Human Genetics Tuebingen Variant Classification Criteria Version 2. Collection method: clinical testing. Allele origin: germline. Affected: yes. Observed: 1 variant allele.
Comment: ABCA2: BP4, BP7

NM_212533.3(ABCA2):c.111C>T (p.Leu37=)

Genes: ABCA2 (ATP binding cassette subfamily A member 2; minus strand), LINC02908 (long independently transcribed non-coding RNA 2908; plus strand). Cytogenetic location: 9q34.3.
Variant type: single nucleotide variant.
Coding change: c.111C>T on transcript NM_212533.3; coding-DNA position 111, C replaced by T.
Protein change: p.Leu37=; no amino-acid change (leucine 37 retained).
Molecular consequence: synonymous variant.
Genome position (GRCh38, 1-based): chr9:137,028,762, G>A on the plus strand (C>T on the coding strand, the complement: ABCA2 is on the minus strand). VCF-style: chr9-137028762-G-A. GRCh37 (hg19) VCF-style: chr9-139923214-G-A.
Identifiers: ClinVar variation 4085320 (VCV004085320.8).